The following is an entry in ClinVar:

NM_001164277.2(SLC37A4):c.71_74dup (p.Tyr25Ter)

Gene: SLC37A4 (solute carrier family 37 member 4; minus strand). Cytogenetic location: 11q23.3.
Variant type: Duplication.
Coding change: c.71_74dup on transcript NM_001164277.2 (MANE Select); coding-DNA positions 71 to 74, 4 bases duplicated (ATTA; older notation c.71_74dupATTA).
Protein change: p.Tyr25Ter; replaces tyrosine 25 with a stop codon.
Molecular consequence: nonsense. On other transcripts: intron variant (1).
Genome position (GRCh38, 1-based): chr11:119,029,296-119,029,299, TAAT duplicated on the plus strand (ATTA on the coding strand, the reverse complement: SLC37A4 is on the minus strand). VCF-style (leftmost placement, unchanged base first): chr11-119029295-G-GTAAT. GRCh37 (hg19) VCF-style: chr11-118900005-G-GTAAT.
Other names: c.71_74dup, p.Tyr25Ter (NM_001164278.2, NM_001164280.2, NM_001467.6); c.-172+93_-172+96dup (NM_001164279.2); short protein forms Y25*.
Identifiers: ClinVar variation 1364508 (VCV001364508.6), dbSNP rs2134644045, ClinGen allele CA2573146957.

ClinVar aggregate classification (germline): Pathogenic (1 of 4 stars; one submission).

Conditions:
Glucose-6-phosphate transport defect (GSD1B). Also called: Glycogen Storage Disease Type Ib; GSD Ib. Identifiers: Orphanet 364, Orphanet 79259, MedGen C0268146, MONDO:0009288, OMIM 232220.

Submission:

Labcorp Genetics (formerly Invitae), Labcorp
Classification: Pathogenic for Glucose-6-phosphate transport defect. Last evaluated: 2021-05-10. Review status: criteria provided, single submitter. Criteria: Invitae Variant Classification Sherloc (09022015). Collection method: clinical testing. Allele origin: germline.
Comment: This sequence change creates a premature translational stop signal (p.Tyr25*) in the SLC37A4 gene. It is expected to result in an absent or disrupted protein product. Loss-of-function variants in SLC37A4 are known to be pathogenic (PMID: 9758626, 10940311). This variant is not present in population databases (ExAC no frequency). This variant has not been reported in the literature in individuals with SLC37A4-related conditions. For these reasons, this variant has been classified as Pathogenic.

Literature cited by the submitters: PubMed 9758626; PubMed 10940311.